The following is an entry in ClinVar:

NM_000318.3(PEX2):c.325dup (p.Cys109fs)

Gene: PEX2 (peroxisomal biogenesis factor 2; minus strand). Cytogenetic location: 8q21.13.
Variant type: Duplication.
Coding change: c.325dup on transcript NM_000318.3 (MANE Select); coding-DNA position 325, one base duplicated (T; older notation c.325dupT).
Protein change: p.Cys109fs; shifts the reading frame from cysteine 109.
Molecular consequence: frameshift variant.
Genome position (GRCh38, 1-based): chr8:76,983,854, A duplicated on the plus strand (T on the coding strand, the reverse complement: PEX2 is on the minus strand); the first of 3 consecutive A bases (chr8:76,983,854-76,983,856); duplicating any one gives the same sequence. VCF-style (leftmost placement, unchanged base first): chr8-76983853-C-CA. GRCh37 (hg19) VCF-style: chr8-77896089-C-CA.
Other names: c.325dup, p.Cys109fs (NM_001079867.2, NM_001172086.2, NM_001172087.2); c.325dupT (NM_000318.2); c.325dup (NM_000318.2); short protein forms C109fs.
Identifiers: ClinVar variation 1698666 (VCV001698666.11), dbSNP rs1052655986, ClinGen allele CA179988272.

ClinVar aggregate classification (germline): Pathogenic/Likely pathogenic. Review status: criteria provided, multiple submitters, no conflicts (2 of 4 stars). 4 submissions from 4 submitters: Pathogenic (2); Likely pathogenic (2). Last evaluated 2025-03-20.

Conditions:
Zellweger spectrum disorders (ZS). Also called: Zellweger Spectrum Disorder; Zellweger Spectrum; Zellweger syndrome; Zellweger Spectrum Disorder (ZSD). Identifiers: Orphanet 912, MedGen C0043459, MONDO:0019609.
Peroxisome biogenesis disorder 5A (Zellweger) (PBD5A). Identifiers: Orphanet 912, MedGen C3553940, MONDO:0013932, OMIM 614866.
Peroxisome biogenesis disorder. Identifiers: Orphanet 79189, MedGen C1832200, MONDO:0019234. Disease mechanism: loss of function.

Submissions (4):

Natera, Inc.
Classification: Likely pathogenic for Zellweger syndrome. Last evaluated: 2025-03-20. Review status: criteria provided, single submitter. Criteria: Natera Variant Classification Schema (03/2026). Collection method: clinical testing. Allele origin: germline.
Comment: The c.325dup variant in PEX2 is a frameshift variant predicted to shift the reading frame beginning at codon 109 and leads to a stop codon 14 codons downstream. This variant is expected to result in nonsense mediated decay, truncation, or a dysfunctional protein product. This variant is rare in the general population with a frequency below the threshold expected for the associated phenotype(s). Given the available evidence, this variant is classified as Likely Pathogenic.

Labcorp Genetics (formerly Invitae), Labcorp
Classification: Pathogenic for Peroxisome biogenesis disorder 5A (Zellweger). Last evaluated: 2025-01-13. Review status: criteria provided, single submitter. Criteria: Invitae Variant Classification Sherloc (09022015). Collection method: clinical testing. Allele origin: germline.
Comment: This sequence change creates a premature translational stop signal (p.Cys109Leufs*14) in the PEX2 gene. While this is not anticipated to result in nonsense mediated decay, it is expected to disrupt the last 197 amino acid(s) of the PEX2 protein. This variant is not present in population databases (gnomAD no frequency). This premature translational stop signal has been observed in individual(s) with Zellweger syndrome (PMID: 21031596). This variant is also known as c.325insT. ClinVar contains an entry for this variant (Variation ID: 1698666). This variant disrupts a region of the PEX2 protein in which other variant(s) (p.Arg119*) have been determined to be pathogenic (PMID: 1546315, 7681622, 9452066, 9585609, 10528859, 15542397, 21465523, 23430938). This suggests that this is a clinically significant region of the protein, and that variants that disrupt it are likely to be disease-causing. For these reasons, this variant has been classified as Pathogenic.

Baylor Genetics
Classification: Likely pathogenic for Peroxisome biogenesis disorder 5A (Zellweger). Last evaluated: 2023-11-20. Review status: criteria provided, single submitter. Criteria: ACMG Guidelines, 2015. Collection method: clinical testing. Allele origin: unknown.

Women's Health and Genetics/Laboratory Corporation of America, LabCorp
Classification: Pathogenic for Peroxisome biogenesis disorder. Last evaluated: 2023-08-07. Review status: criteria provided, single submitter. Criteria: LabCorp Variant Classification Summary - May 2015. Collection method: clinical testing. Allele origin: germline.
Comment: Variant summary: PEX2 c.325dupT (p.Cys109LeufsX14) results in a premature termination codon, predicted to cause a truncation of the encoded protein or absence of the protein. Variants downstream of this position have been classified as pathogenic in ClinVar. The variant was absent in 251424 control chromosomes (gnomAD). c.325dupT has been reported in the literature in at-least one individual affected with Zellweger Syndrome (example, Ebberink_2011). To our knowledge, no experimental evidence demonstrating an impact on protein function has been reported. The following publication has been ascertained in the context of this evaluation (PMID: 21031596). One submitter has cited clinical-significance assessments for this variant to ClinVar after 2014 and has classified the variant as pathogenic. Based on the evidence outlined above, the variant was classified as pathogenic.

Literature cited by the submitters: PubMed 21031596 (cited by Labcorp Genetics (formerly Invitae), Labcorp and Women's Health and Genetics/Laboratory Corporation of America, LabCorp); PubMed 1546315 (cited by Labcorp Genetics (formerly Invitae), Labcorp); PubMed 7681622 (cited by Labcorp Genetics (formerly Invitae), Labcorp); PubMed 9452066 (cited by Labcorp Genetics (formerly Invitae), Labcorp); PubMed 9585609 (cited by Labcorp Genetics (formerly Invitae), Labcorp); PubMed 10528859 (cited by Labcorp Genetics (formerly Invitae), Labcorp); PubMed 15542397 (cited by Labcorp Genetics (formerly Invitae), Labcorp); PubMed 21465523 (cited by Labcorp Genetics (formerly Invitae), Labcorp); PubMed 23430938 (cited by Labcorp Genetics (formerly Invitae), Labcorp).